The following is an entry in ClinVar:

NM_000540.3(RYR1):c.7615-11C>T

Gene: RYR1 (ryanodine receptor 1; plus strand). Cytogenetic location: 19q13.2.
Variant type: single nucleotide variant.
Coding change: c.7615-11C>T on transcript NM_000540.3 (MANE Select); 11 bases into the intron before coding-DNA position 7615, C replaced by T.
Molecular consequence: intron variant.
Genome position (GRCh38, 1-based): chr19:38,502,496, C>T. VCF-style: chr19-38502496-C-T. GRCh37 (hg19) VCF-style: chr19-38993136-C-T.
Other names: c.7615-11C>T (NM_001042723.2).
Identifiers: ClinVar variation 3070484 (VCV003070484.2), dbSNP rs951000164, ClinGen allele CA308111777.

ClinVar aggregate classification (germline): Likely benign. Review status: criteria provided, multiple submitters, no conflicts (2 of 4 stars). 2 submissions from 2 submitters: Likely benign (2). Last evaluated 2025-04-11.

Conditions:
RYR1-related disorder. Also called: RYR1-related condition; RYR1-related disorders. Identifiers: MedGen CN239331.
Malignant hyperthermia, susceptibility to, 1 (MHS1). Also called: RYR1-Related Malignant Hyperthermia Susceptibility; Anesthesia related hyperthermia; Malignant hyperpyrexia; Fulminating hyperpyrexia; Pharmacogenic myopathy; Malignant hyperthermia suceptibility 1. Identifiers: Orphanet 423, MedGen C2930980, MONDO:0007783, OMIM 145600.

Allele frequency attached by ClinVar (database versions not stated): gnomAD exomes below 0.00001; TOPMed 0.00001.
gnomAD v4.1: 3 of 1,603,046 alleles (0.00019%); highest among the groups gnomAD compares: Non-Finnish European, 0.00025%; no homozygotes.

Submissions (2):

Labcorp Genetics (formerly Invitae), Labcorp
Classification: Likely benign for RYR1-related disorder. Last evaluated: 2025-04-11. Review status: criteria provided, single submitter. Criteria: Invitae Variant Classification Sherloc (09022015). Collection method: clinical testing. Allele origin: germline.

All of Us Research Program, National Institutes of Health
Classification: Likely benign for Malignant hyperthermia, susceptibility to, 1. Last evaluated: 2023-06-26. Review status: criteria provided, single submitter. Criteria: ACMG Guidelines, 2015. Collection method: clinical testing. Allele origin: germline. Inheritance: Autosomal dominant inheritance. Observed: 2 variant alleles, 2 heterozygotes.
Comment: This study involves interpretation of variants in research participants for the purpose of population health screening. Participant phenotype was not available at the time of variant classification. Additional details can be found in publication PMID: 35346344, PMCID: PMC8962531